The following is an entry in ClinVar:

ClinVar aggregate classification (germline): Likely pathogenic (1 of 4 stars; one submission).

Conditions:
Cardiovascular phenotype. Identifiers: MedGen CN230736.

Submission:

Molecular Diagnostic Laboratory for Inherited Cardiovascular Disease, Montreal Heart Institute
Classification: Likely pathogenic for Cardiovascular phenotype. Last evaluated: 2024-11-14. Review status: criteria provided, single submitter. Criteria: ACMG Guidelines, 2015. Collection method: clinical testing. Allele origin: germline. Affected: yes.
Comment: PVS1, PM2

NM_001267550.2(TTN):c.85295del (p.Leu28432fs)

Genes: TTN (titin; minus strand), TTN-AS1 (TTN antisense RNA 1; plus strand). Cytogenetic location: 2q31.2.
Variant type: Deletion.
Coding change: c.85295del on transcript NM_001267550.2 (MANE Select); coding-DNA position 85295, one base deleted (T; older notation c.85295delT).
Protein change: p.Leu28432fs; shifts the reading frame from leucine 28432.
Molecular consequence: frameshift variant.
Genome position (GRCh38, 1-based): chr2:178,560,837, A deleted on the plus strand (T on the coding strand, the reverse complement: TTN is on the minus strand). VCF-style (leftmost placement, unchanged base first): chr2-178560836-CA-C. GRCh37 (hg19) VCF-style: chr2-179425563-CA-C.
Other names: c.85295delT (NM_001267550.2); c.80372del, p.Leu26791fs (NM_001256850.1); c.58100del, p.Leu19367fs (NM_003319.4); c.77591del, p.Leu25864fs (NM_133378.4); c.58475del, p.Leu19492fs (NM_133432.3); c.58676del, p.Leu19559fs (NM_133437.4); short protein forms L19367fs, L19492fs, L19559fs, L25864fs, L26791fs, L28432fs.
Identifiers: ClinVar variation 684873 (VCV000684873.3), dbSNP rs1575616801, ClinGen allele CA915942224.